The following is an entry in ClinVar:

ClinVar aggregate classification (germline): Uncertain significance (1 of 4 stars; one submission).

Conditions:
Charcot-Marie-Tooth disease axonal type 2O. Also called: CHARCOT-MARIE-TOOTH NEUROPATHY, AXONAL, TYPE 2O; CHARCOT-MARIE-TOOTH DISEASE, AXONAL, AUTOSOMAL DOMINANT, TYPE 2O; Charcot-Marie-Tooth Neuropathy Type 2O; Charcot-Marie-Tooth disease, axonal, type 20. Identifiers: Orphanet 284232, MedGen C3280220, MONDO:0013644, OMIM 614228.

Submission:

Labcorp Genetics (formerly Invitae), Labcorp
Classification: Uncertain significance for Charcot-Marie-Tooth disease axonal type 2O. Last evaluated: 2025-07-06. Review status: criteria provided, single submitter. Criteria: Invitae Variant Classification Sherloc (09022015). Collection method: clinical testing. Allele origin: germline.
Comment: This sequence change affects an acceptor splice site in intron 32 of the DYNC1H1 gene. It is expected to disrupt RNA splicing. Variants that disrupt the donor or acceptor splice site typically lead to a loss of protein function (PMID: 16199547), however the current clinical and genetic evidence is not sufficient to establish whether loss-of-function variants in DYNC1H1 cause disease. This variant is not present in population databases (gnomAD no frequency). This variant has not been reported in the literature in individuals affected with DYNC1H1-related conditions. Algorithms developed to predict the effect of sequence changes on RNA splicing suggest that this variant may disrupt the consensus splice site. In summary, the available evidence is currently insufficient to determine the role of this variant in disease. Therefore, it has been classified as a Variant of Uncertain Significance.

Literature cited by the submitters: PubMed 16199547.

NM_001376.5(DYNC1H1):c.6619-1G>C

Gene: DYNC1H1 (dynein cytoplasmic 1 heavy chain 1; plus strand). Cytogenetic location: 14q32.31.
Variant type: single nucleotide variant.
Coding change: c.6619-1G>C on transcript NM_001376.5 (MANE Select); the canonical splice acceptor site of the intron before coding-DNA position 6619, G replaced by C.
Molecular consequence: splice acceptor variant.
Genome position (GRCh38, 1-based): chr14:102,011,874, G>C. VCF-style: chr14-102011874-G-C. GRCh37 (hg19) VCF-style: chr14-102478211-G-C.
Identifiers: ClinVar variation 4722727 (VCV004722727.1).